The following is an entry in ClinVar:

NM_006907.4(PYCR1):c.895G>A (p.Ala299Thr)

Gene: PYCR1 (pyrroline-5-carboxylate reductase 1; minus strand). Cytogenetic location: 17q25.3.
Variant type: single nucleotide variant.
Coding change: c.895G>A on transcript NM_006907.4 (MANE Select); coding-DNA position 895, G replaced by A.
Protein change: p.Ala299Thr; replaces alanine 299 with threonine.
Molecular consequence: missense variant. On other transcripts: 3 prime UTR variant (1), intron variant (1).
Genome position (GRCh38, 1-based): chr17:81,933,279, C>T on the plus strand (G>A on the coding strand, the complement: PYCR1 is on the minus strand). VCF-style: chr17-81933279-C-T. GRCh37 (hg19) VCF-style: chr17-79891155-C-T.
Other names: c.802G>A, p.Ala268Thr (NM_001282279.2); c.895G>A, p.Ala299Thr (NM_001282280.2); c.976G>A, p.Ala326Thr (NM_001282281.2); c.*77G>A (NM_001330523.2); c.867+28G>A (NM_153824.3); c.895G>A (NM_006907.2); short protein forms A326T, A268T, A299T.
Identifiers: ClinVar variation 2178967 (VCV002178967.2), dbSNP rs185044245, ClinGen allele CA8845238.

ClinVar aggregate classification (germline): Uncertain significance. Review status: criteria provided, multiple submitters, no conflicts (2 of 4 stars). 2 submissions from 2 submitters: Uncertain significance (2). Last evaluated 2024-06-25.

Allele frequency attached by ClinVar (database versions not stated): ExAC 0.00001; gnomAD 0.00001; TOPMed 0.00001; 1000 Genomes Project 30x 0.00016; 1000 Genomes Project 0.00020.
gnomAD v4.1: 61 of 1,613,984 alleles (0.0038%); highest among the groups gnomAD compares: Admixed American, 0.0083%; no homozygotes.

Submissions (2):

GeneDx
Classification: Uncertain significance. Last evaluated: 2024-06-25. Review status: criteria provided, single submitter. Criteria: GeneDx Variant Classification Process June 2021. Collection method: clinical testing. Allele origin: germline. Affected: yes.
Comment: Has not been previously published as pathogenic or benign to our knowledge; Not observed at significant frequency in large population cohorts (gnomAD); In silico analysis indicates that this missense variant does not alter protein structure/function

Labcorp Genetics (formerly Invitae), Labcorp
Classification: Uncertain significance. Last evaluated: 2022-08-23. Review status: criteria provided, single submitter. Criteria: Invitae Variant Classification Sherloc (09022015). Collection method: clinical testing. Allele origin: germline.
Comment: This sequence change replaces alanine, which is neutral and non-polar, with threonine, which is neutral and polar, at codon 299 of the PYCR1 protein (p.Ala299Thr). This variant is present in population databases (rs185044245, gnomAD 0.006%). This variant has not been reported in the literature in individuals affected with PYCR1-related conditions. Algorithms developed to predict the effect of missense changes on protein structure and function output the following: SIFT: "Tolerated"; PolyPhen-2: "Benign"; Align-GVGD: "Class C0". The threonine amino acid residue is found in multiple mammalian species, which suggests that this missense change does not adversely affect protein function. In summary, the available evidence is currently insufficient to determine the role of this variant in disease. Therefore, it has been classified as a Variant of Uncertain Significance.